The following is an entry in ClinVar:

NM_000275.3(OCA2):c.1418T>G (p.Ile473Ser)

Gene: OCA2 (OCA2 melanosomal transmembrane protein; minus strand). Cytogenetic location: 15q13.1.
Variant type: single nucleotide variant.
Coding change: c.1418T>G on transcript NM_000275.3 (MANE Select); coding-DNA position 1418, T replaced by G.
Protein change: p.Ile473Ser; replaces isoleucine 473 with serine.
Molecular consequence: missense variant.
Genome position (GRCh38, 1-based): chr15:27,983,430, A>C on the plus strand (T>G on the coding strand, the complement: OCA2 is on the minus strand). VCF-style: chr15-27983430-A-C. GRCh37 (hg19) VCF-style: chr15-28228576-A-C.
Other names: c.1346T>G, p.Ile449Ser (NM_001300984.2); short protein forms I449S, I473S.
Identifiers: ClinVar variation 2627119 (VCV002627119.2), dbSNP rs781118824, ClinGen allele CA391359580.

ClinVar aggregate classification (germline): Uncertain significance. Review status: criteria provided, multiple submitters, no conflicts (2 of 4 stars). 2 submissions from 2 submitters: Uncertain significance (2). Last evaluated 2025-11-07.

Conditions:
Tyrosinase-positive oculocutaneous albinism (OCA2). Also called: ALBINISM II; Albinism, oculocutaneous, type II; Oculocutaneous albinism type 2. Identifiers: Orphanet 79432, MedGen C0268495, MONDO:0008746, OMIM 203200.

gnomAD v4.1: 1 of 1,614,166 alleles (0.000062%); no homozygotes.

Submissions (2):

Myriad Genetics, Inc.
Classification: Uncertain significance for Tyrosinase-positive oculocutaneous albinism. Last evaluated: 2025-11-07. Review status: criteria provided, single submitter. Criteria: Myriad Autosomal Dominant, Autosomal Recessive and X-Linked Classification Criteria (2023). Collection method: clinical testing. Allele origin: unknown.
Comment: NM_000275.2(OCA2):c.1418T>G(I473S) is a missense variant classified as a variant of uncertain significance in the context of oculocutaneous albinism, OCA2-related. I473S has been observed in cases with relevant disease (PMID: 9259203, 37471664). Relevant functional assessments of this variant are not available in the literature. I473S has not been observed in referenced population frequency databases. In summary, there is insufficient evidence to classify NM_000275.2(OCA2):c.1418T>G(I473S) as pathogenic or benign. Please note: this variant was assessed in the context of healthy population screening.

Women's Health and Genetics/Laboratory Corporation of America, LabCorp
Classification: Uncertain significance. Last evaluated: 2023-09-06. Review status: criteria provided, single submitter. Criteria: LabCorp Variant Classification Summary - May 2015. Collection method: clinical testing. Allele origin: germline.
Comment: Variant summary: OCA2 c.1418T>G (p.Ile473Ser) results in a non-conservative amino acid change located in the Citrate transporter-like domain (IPR004680) of the encoded protein sequence. Five of five in-silico tools predict a damaging effect of the variant on protein function. The variant was absent in 251492 control chromosomes (gnomAD). The available data on variant occurrences in the general population are insufficient to allow any conclusion about variant significance. c.1418T>G has been reported in the literature in an individual affected with Oculocutaneous Albinism (Spritz_1997), and they were reported as compound heterozygous with a variant that some ClinVar submitters have classified as pathogenic. These data do not allow any conclusion about variant significance. To our knowledge, no experimental evidence demonstrating an impact on protein function has been reported. The following publication has been ascertained in the context of this evaluation (PMID: 9259203). No submitters have cited clinical-significance assessments for this variant to ClinVar after 2014. Based on the evidence outlined above, the variant was classified as uncertain significance.

Literature cited by the submitters: PubMed 37471664 (cited by Myriad Genetics, Inc.); PubMed 9259203 (cited by Myriad Genetics, Inc. and Women's Health and Genetics/Laboratory Corporation of America, LabCorp).